The following is an entry in ClinVar:

ClinVar aggregate classification (germline): Uncertain significance (1 of 4 stars; one submission).

Submission:

Labcorp Genetics (formerly Invitae), Labcorp
Classification: Uncertain significance. Last evaluated: 2023-07-12. Review status: criteria provided, single submitter. Criteria: Invitae Variant Classification Sherloc (09022015). Collection method: clinical testing. Allele origin: germline.
Comment: This sequence change replaces glycine, which is neutral and non-polar, with arginine, which is basic and polar, at codon 428 of the TBX20 protein (p.Gly428Arg). In summary, the available evidence is currently insufficient to determine the role of this variant in disease. Therefore, it has been classified as a Variant of Uncertain Significance. An algorithm developed to predict the effect of missense changes on protein structure and function (PolyPhen-2) suggests that this variant is likely to be disruptive. This variant has not been reported in the literature in individuals affected with TBX20-related conditions. This variant is not present in population databases (gnomAD no frequency).

NM_001077653.2(TBX20):c.1282G>C (p.Gly428Arg)

Gene: TBX20 (T-box transcription factor 20; minus strand). Cytogenetic location: 7p14.2.
Variant type: single nucleotide variant.
Coding change: c.1282G>C on transcript NM_001077653.2 (MANE Select); coding-DNA position 1282, G replaced by C.
Protein change: p.Gly428Arg; replaces glycine 428 with arginine.
Molecular consequence: missense variant.
Genome position (GRCh38, 1-based): chr7:35,202,492, C>G on the plus strand (G>C on the coding strand, the complement: TBX20 is on the minus strand). VCF-style: chr7-35202492-C-G. GRCh37 (hg19) VCF-style: chr7-35242104-C-G.
Other names: short protein forms G428R.
Identifiers: ClinVar variation 2742119 (VCV002742119.3), dbSNP rs2546980852, ClinGen allele CA367262827.